The following is an entry in ClinVar:

NM_001035.3(RYR2):c.5474T>G (p.Phe1825Cys)

Gene: RYR2 (ryanodine receptor 2; plus strand). Cytogenetic location: 1q43.
Variant type: single nucleotide variant.
Coding change: c.5474T>G on transcript NM_001035.3 (MANE Select); coding-DNA position 5474, T replaced by G.
Protein change: p.Phe1825Cys; replaces phenylalanine 1825 with cysteine.
Molecular consequence: missense variant.
Genome position (GRCh38, 1-based): chr1:237,614,602, T>G. VCF-style: chr1-237614602-T-G. GRCh37 (hg19) VCF-style: chr1-237777902-T-G.
Other names: short protein forms F1825C.
Identifiers: ClinVar variation 3385737 (VCV003385737.1).

ClinVar aggregate classification (germline): Uncertain significance (1 of 4 stars; one submission).

Conditions:
Catecholaminergic polymorphic ventricular tachycardia (CVPT). Also called: Catecholamine-induced polymorphic ventricular tachycardia. Identifiers: Orphanet 3286, MedGen C5574922, MONDO:0017990.

Submission:

All of Us Research Program, National Institutes of Health
Classification: Uncertain significance for Catecholaminergic polymorphic ventricular tachycardia. Last evaluated: 2024-02-22. Review status: criteria provided, single submitter. Criteria: ACMG Guidelines, 2015. Collection method: clinical testing. Allele origin: germline. Inheritance: Autosomal dominant inheritance. Observed: 1 variant allele, 1 heterozygote.
Comment: This missense variant replaces phenylalanine with cysteine at codon 1825 of the RYR2 protein. Computational prediction suggests that this variant may not impact protein structure and function (internally defined REVEL score threshold <= 0.5, PMID: 27666373). To our knowledge, functional studies have not been reported for this variant. This variant has not been reported in individuals affected with RYR2-related disorders in the literature. This variant has not been identified in the general population by the Genome Aggregation Database (gnomAD). The available evidence is insufficient to determine the role of this variant in disease conclusively. Therefore, this variant is classified as a Variant of Uncertain Significance.

This study involves interpretation of variants in research participants for the purpose of population health screening. Participant phenotype was not available at the time of variant classification. Additional details can be found in publication PMID: 35346344, PMCID: PMC8962531